The following is an entry in ClinVar:

NM_153710.5(STKLD1):c.1370A>G (p.Asn457Ser)

Gene: STKLD1 (serine/threonine kinase like domain containing 1; plus strand). Cytogenetic location: 9q34.2.
Variant type: single nucleotide variant.
Coding change: c.1370A>G on transcript NM_153710.5 (MANE Select); coding-DNA position 1370, A replaced by G.
Protein change: p.Asn457Ser; replaces asparagine 457 with serine.
Molecular consequence: missense variant.
Genome position (GRCh38, 1-based): chr9:133,402,908, A>G. VCF-style: chr9-133402908-A-G. GRCh37 (hg19) VCF-style: chr9-136268037-A-G.
Other names: c.1370A>G (NM_153710.3); short protein forms N457S.
Identifiers: ClinVar variation 3047082 (VCV003047082.3), dbSNP rs144696692, ClinGen allele CA200867615.

ClinVar aggregate classification (germline): Uncertain significance. Review status: criteria provided, single submitter (1 of 4 stars). 2 submissions from 2 submitters: Uncertain significance (1). 1 of the submissions does not count toward it. Last evaluated 2023-12-18.

Conditions:
STKLD1-related disorder. Also called: STKLD1-related condition.

Allele frequency attached by ClinVar (database versions not stated): 1000 Genomes Project 30x 0.00016; 1000 Genomes Project 0.00020; ESP Exome Variant Server 0.00023; gnomAD 0.00027; gnomAD exomes 0.00027; ExAC 0.00032; TOPMed 0.00050.
gnomAD v4.1: 442 of 1,592,022 alleles (0.028%); highest among the groups gnomAD compares: Admixed American, 0.14%; no homozygotes.

Submissions (2):

Ambry Genetics
Classification: Uncertain significance. Last evaluated: 2023-12-18. Review status: criteria provided, single submitter. Criteria: Ambry Variant Classification Scheme 2023. Collection method: clinical testing. Allele origin: germline.

PreventionGenetics, part of Exact Sciences
Classification: Likely benign for STKLD1-related condition. Last evaluated: 2022-04-19. Review status: no assertion criteria provided. Collection method: clinical testing. Allele origin: germline. Not counted in ClinVar's aggregate classification.
Comment: This variant is classified as likely benign based on ACMG/AMP sequence variant interpretation guidelines (Richards et al. 2015 PMID: 25741868, with internal and published modifications).